The following is an entry in ClinVar:

NM_001386393.1(PANK2):c.189_201del (p.Ala64fs)

Genes: PANK2 (pantothenate kinase 2; plus strand), LOC130065345 (ATAC-STARR-seq lymphoblastoid silent region 12635; plus strand). Cytogenetic location: 20p13.
Variant type: Deletion.
Coding change: c.189_201del on transcript NM_001386393.1 (MANE Select); coding-DNA positions 189 to 201, 13 bases deleted (CGCGGTCGGGGCC).
Protein change: p.Ala64fs; shifts the reading frame from alanine 64.
Molecular consequence: frameshift variant. On other transcripts: 5 prime UTR variant (1), non-coding transcript variant (1), intron variant (1).
Genome position (GRCh38, 1-based): chr20:3,889,619-3,889,631, CGCGGTCGGGGCC deleted; deleting any 13 consecutive bases within chr20:3,889,616-3,889,631 gives the same sequence; the c. name uses the placement nearest the transcript's 3' end. VCF-style (leftmost placement, unchanged base first): chr20-3889615-TGCCCGCGGTCGGG-T. GRCh37 (hg19) VCF-style: chr20-3870262-TGCCCGCGGTCGGG-T.
Other names: c.-523_-511del (NM_001324191.2); c.519_531del, p.Ala174fs (NM_001324192.1, NM_153638.4); c.-246+715_-246+727del (NM_024960.6); short protein forms A174fs, A64fs.
Identifiers: ClinVar variation 2844377 (VCV002844377.3), dbSNP rs2515424995, ClinGen allele CA2739277042.

ClinVar aggregate classification (germline): Pathogenic (1 of 4 stars; one submission).

Conditions:
Pigmentary pallidal degeneration (NBIA1). Also called: Pantothenate Kinase-Associated Neurodegeneration; Neuroaxonal dystrophy, late infantile; Hallervorden-Spatz disease; Neurodegeneration with brain iron accumulation 1; PKAN NEUROAXONAL DYSTROPHY, JUVENILE-ONSET; HARP SYNDROME. Identifiers: Orphanet 157850, MedGen C0018523, MONDO:0009319, OMIM 234200.

Submission:

Labcorp Genetics (formerly Invitae), Labcorp
Classification: Pathogenic for Pigmentary pallidal degeneration. Last evaluated: 2025-04-28. Review status: criteria provided, single submitter. Criteria: Invitae Variant Classification Sherloc (09022015). Collection method: clinical testing. Allele origin: germline.
Comment: This sequence change creates a premature translational stop signal (p.Ala174Argfs*27) in the PANK2 gene. It is expected to result in an absent or disrupted protein product. Loss-of-function variants in PANK2 are known to be pathogenic (PMID: 11479594, 12510040). This variant is not present in population databases (gnomAD no frequency). This variant has not been reported in the literature in individuals affected with PANK2-related conditions. ClinVar contains an entry for this variant (Variation ID: 2844377). For these reasons, this variant has been classified as Pathogenic.

Literature cited by the submitters: PubMed 11479594; PubMed 12510040.